The following is an entry in ClinVar:

ClinVar aggregate classification (germline): Uncertain significance (1 of 4 stars; one submission).

Submission:

GeneDx
Classification: Uncertain significance. Last evaluated: 2024-09-28. Review status: criteria provided, single submitter. Criteria: GeneDx Variant Classification Process June 2021. Collection method: clinical testing. Allele origin: germline. Affected: yes.
Comment: Not observed at significant frequency in large population cohorts (gnomAD); In silico analysis indicates that this missense variant does not alter protein structure/function; Has not been previously published as pathogenic or benign to our knowledge

NM_001375524.1(TRRAP):c.3289G>T (p.Ala1097Ser)

Gene: TRRAP (transformation/transcription domain associated protein; plus strand). Cytogenetic location: 7q22.1.
Variant type: single nucleotide variant.
Coding change: c.3289G>T on transcript NM_001375524.1 (MANE Select); coding-DNA position 3289, G replaced by T.
Protein change: p.Ala1097Ser; replaces alanine 1097 with serine.
Molecular consequence: missense variant.
Genome position (GRCh38, 1-based): chr7:98,930,102, G>T. VCF-style: chr7-98930102-G-T. GRCh37 (hg19) VCF-style: chr7-98527725-G-T.
Other names: c.3289G>T, p.Ala1097Ser (NM_001244580.2, NM_003496.4); short protein forms A1097S.
Identifiers: ClinVar variation 3774748 (VCV003774748.1).